The following is an entry in ClinVar:

NM_014994.3(MAPKBP1):c.4011A>T (p.Arg1337Ser)

Gene: MAPKBP1 (mitogen-activated protein kinase binding protein 1; plus strand). Cytogenetic location: 15q15.1.
Variant type: single nucleotide variant.
Coding change: c.4011A>T on transcript NM_014994.3 (MANE Select); coding-DNA position 4011, A replaced by T.
Protein change: p.Arg1337Ser; replaces arginine 1337 with serine.
Molecular consequence: missense variant. On other transcripts: non-coding transcript variant (2), intron variant (1).
Genome position (GRCh38, 1-based): chr15:41,823,859, A>T. VCF-style: chr15-41823859-A-T. GRCh37 (hg19) VCF-style: chr15-42116057-A-T.
Other names: c.4029A>T, p.Arg1343Ser (NM_001128608.2); c.3383-625A>T (NM_001265611.2); c.4029A>T (NM_001128608.1); short protein forms R1337S, R1343S.
Identifiers: ClinVar variation 2155178 (VCV002155178.6), dbSNP rs145778621, ClinGen allele CA7498708.

ClinVar aggregate classification (germline): Uncertain significance. Review status: criteria provided, multiple submitters, no conflicts (2 of 4 stars). 3 submissions from 3 submitters: Uncertain significance (3). Last evaluated 2024-08-27.

Conditions:
Inborn genetic diseases. Identifiers: MedGen C0950123, MeSH D030342.

Allele frequency attached by ClinVar (database versions not stated): gnomAD exomes 0.00005; ExAC 0.00012; gnomAD 0.00038; TOPMed 0.00043; ESP Exome Variant Server 0.00046; 1000 Genomes Project 0.00060; 1000 Genomes Project 30x 0.00078.
gnomAD v4.1: 129 of 1,614,108 alleles (0.008%); highest among the groups gnomAD compares: African/African-American, 0.16%; no homozygotes.

Submissions (3):

Ambry Genetics
Classification: Uncertain significance for Inborn genetic diseases. Last evaluated: 2024-08-27. Review status: criteria provided, single submitter. Criteria: Ambry Variant Classification Scheme 2023. Collection method: clinical testing. Allele origin: germline.

Genetic Services Laboratory, University of Chicago
Classification: Uncertain significance. Last evaluated: 2023-03-01. Review status: criteria provided, single submitter. Criteria: ACMG Guidelines, 2015. Collection method: clinical testing. Allele origin: germline. Affected: no.
Comment: DNA sequence analysis of the MAPKBP1 gene demonstrated a sequence change, c.4029A>T, in exon 30 that results in an amino acid change, p.Arg1343Ser. This sequence change has been described in the gnomAD database with a frequency of 0.11% in the African/African American subpopulation (dbSNP rs145778621). The p.Arg1343Ser change affects a poorly conserved amino acid residue located in a domain of the MAPKBP1 protein that is not known to be functional. The p.Arg1343Ser substitution appears to be benign using several in-silico pathogenicity prediction tools (SIFT, PolyPhen2, Align GVGD, REVEL). This sequence change does not appear to have been previously described in individuals with MAPKBP1-related disorders. Due to insufficient evidence and the lack of functional studies, the clinical significance of the p.Arg1343Ser change remains unknown at this time.

Labcorp Genetics (formerly Invitae), Labcorp
Classification: Uncertain significance. Last evaluated: 2022-08-09. Review status: criteria provided, single submitter. Criteria: Invitae Variant Classification Sherloc (09022015). Collection method: clinical testing. Allele origin: germline.
Comment: This sequence change replaces arginine, which is basic and polar, with serine, which is neutral and polar, at codon 1343 of the MAPKBP1 protein (p.Arg1343Ser). This variant is present in population databases (rs145778621, gnomAD 0.1%). This variant has not been reported in the literature in individuals affected with MAPKBP1-related conditions. Algorithms developed to predict the effect of missense changes on protein structure and function (SIFT, PolyPhen-2, Align-GVGD) all suggest that this variant is likely to be tolerated. In summary, the available evidence is currently insufficient to determine the role of this variant in disease. Therefore, it has been classified as a Variant of Uncertain Significance.